The following is an entry in ClinVar:

NM_181836.6(TMED7):c.52G>T (p.Gly18Trp)

Genes: TMED7 (transmembrane p24 trafficking protein 7; minus strand), TMED7-TICAM2 (TMED7-TICAM2 readthrough; minus strand), LOC129994401 (ATAC-STARR-seq lymphoblastoid silent region 16254; plus strand). Cytogenetic location: 5q22.3.
Variant type: single nucleotide variant.
Coding change: c.52G>T on transcript NM_181836.6 (MANE Select); coding-DNA position 52, G replaced by T.
Protein change: p.Gly18Trp; replaces glycine 18 with tryptophan.
Molecular consequence: missense variant.
Genome position (GRCh38, 1-based): chr5:115,625,741, C>A on the plus strand (G>T on the coding strand, the complement: TMED7 is on the minus strand). VCF-style: chr5-115625741-C-A. GRCh37 (hg19) VCF-style: chr5-114961438-C-A.
Other names: c.52G>T, p.Gly18Trp (NM_001164468.4, NM_001164469.4); short protein forms G18W.
Identifiers: ClinVar variation 2413322 (VCV002413322.43), dbSNP rs1229208681, ClinGen allele CA360714390.
Genomic context (GRCh38, chr5:115,625,741, plus strand): 5'-TGATCTCAGAGGCGCCGCCGGGTCCAGGCACCAGTAGCAGCAGTGCGAGCAGCCTGCACC[C>A]CCAACGGCCCGCGACGGCCGCCCAGCGCTGCGCGGACCCCGGCCGCGGCATCCCGAGAAG-3'
Protein context (NP_861974.1, residues 8-28): QRWAAVAGRW[Gly18Trp]CRLLALLLLV

ClinVar aggregate classification (germline): Uncertain significance (1 of 4 stars; one submission).

Allele frequency attached by ClinVar (database versions not stated): gnomAD 0.00001; TOPMed 0.00001.
gnomAD v4.1: 5 of 1,562,502 alleles (0.00032%); highest among the groups gnomAD compares: Admixed American, 0.0076%; no homozygotes.

Submission:

Labcorp Genetics (formerly Invitae), Labcorp
Classification: Uncertain significance. Last evaluated: 2024-08-31. Review status: criteria provided, single submitter. Criteria: Invitae Variant Classification Sherloc (09022015). Collection method: clinical testing. Allele origin: germline.
Comment: This sequence change replaces glycine, which is neutral and non-polar, with tryptophan, which is neutral and slightly polar, at codon 18 of the TMED7 protein (p.Gly18Trp). This variant is present in population databases (no rsID available, gnomAD 0.02%). This variant has not been reported in the literature in individuals affected with TMED7-related conditions. ClinVar contains an entry for this variant (Variation ID: 2413322). An algorithm developed to predict the effect of missense changes on protein structure and function (PolyPhen-2) suggests that this variant is likely to be tolerated. In summary, the available evidence is currently insufficient to determine the role of this variant in disease. Therefore, it has been classified as a Variant of Uncertain Significance.